The following is an entry in ClinVar:

NM_001018113.3(FANCB):c.52T>C (p.Tyr18His)

Gene: FANCB (FA complementation group B; minus strand). Cytogenetic location: Xp22.2.
Variant type: single nucleotide variant.
Coding change: c.52T>C on transcript NM_001018113.3 (MANE Select); coding-DNA position 52, T replaced by C.
Protein change: p.Tyr18His; replaces tyrosine 18 with histidine.
Molecular consequence: missense variant. On other transcripts: non-coding transcript variant (1).
Genome position (GRCh38, 1-based): chrX:14,865,459, A>G on the plus strand (T>C on the coding strand, the complement: FANCB is on the minus strand). VCF-style: chrX-14865459-A-G. GRCh37 (hg19) VCF-style: chrX-14883581-A-G.
Other names: c.52T>C, p.Tyr18His (NM_001324162.2, NM_152633.4); short protein forms Y18H.
Identifiers: ClinVar variation 456186 (VCV000456186.14), dbSNP rs996732250, ClinGen allele CA327063415.

ClinVar aggregate classification (germline): Conflicting classifications of pathogenicity. Review status: criteria provided, conflicting classifications (1 of 4 stars). 3 submissions from 3 submitters: Uncertain significance (2); Likely benign (1). Last evaluated 2025-12-01.

Conditions:
Fanconi anemia (FA). Also called: Fanconi's anemia. Identifiers: Orphanet 84, MedGen C0015625, MeSH D005199, MONDO:0019391.
Fanconi anemia complementation group B (FANCB). Also called: FANCB-Related Fanconi Anemia; FANCONI PANCYTOPENIA, TYPE 2. Identifiers: Orphanet 84, MedGen C1845292, MONDO:0010351, OMIM 300514.

Allele frequency attached by ClinVar (database versions not stated): gnomAD exomes below 0.00001 and 0.00001; TOPMed 0.00001.
gnomAD v4.1: 3 of 1,209,865 alleles (0.00025%); highest among the groups gnomAD compares: East Asian, 0.003%; no homozygotes.

Submissions (3):

Labcorp Genetics (formerly Invitae), Labcorp
Classification: Likely benign for Fanconi anemia. Last evaluated: 2025-12-01. Review status: criteria provided, single submitter. Criteria: Invitae Variant Classification Sherloc (09022015). Collection method: clinical testing. Allele origin: germline.

Pittsburgh Clinical Genomics Laboratory, University of Pittsburgh Medical Center
Classification: Uncertain significance for Fanconi anemia complementation group B. Last evaluated: 2023-12-22. Review status: criteria provided, single submitter. Criteria: ACMG Guidelines, 2015. Collection method: clinical testing. Allele origin: germline. Inheritance: X-linked recessive inheritance. Affected: yes.
Comment: This sequence variant is a single nucleotide substitution (T>C) at position 52 of the coding sequence of the FANCB gene that results in a tyrosine to histidine amino acid change at residue 18 of the FA complementation group B protein. This is a previously reported variant (ClinVar 456186) that has not been observed in an individual affected by FANCB-related disorder in the published literature, to our knowledge. This variant is present in 1 of 181772 alleles (0.0006%) in the gnomAD population dataset. Bioinformatic tools provide conflicting predictions on the impact of this tyrosine to histidine amino acid change, though the Tyr18 residue at this position is highly conserved across the vertebrate species examined. Studies examining the functional consequence of this variant have not been published, to our knowledge. At this time, there is insufficient evidence to determine if this variant is pathogenic or benign. Therefore, we consider this a variant of uncertain significance. ACMG Criteria: BP1, PM2

Sema4
Classification: Uncertain significance for Fanconi anemia. Last evaluated: 2021-05-03. Review status: criteria provided, single submitter. Criteria: Sema4 Curation Guidelines. Collection method: curation. Allele origin: germline.
Comment: The FANCB c.52T>C (p.Y18H) variant has not been reported in the literature to our knowledge. It was observed in 1/81428 chromosomes as hemizygote in the Non-Finnish European subpopulation in the large and broad cohorts of the Genome Aggregation Database (PMID: 32461654). The variant has been reported in ClinVar (Variation ID: 456186). In silico tools suggest the impact of the variant on protein function is inconclusive, though these predictions have not been confirmed by functional studies. There is no indication that this variant causes disease, but the evidence is insufficient currently to prove that conclusively. Thus, the clinical significance of this variant is currently uncertain.